The following is an entry in ClinVar:

ClinVar aggregate classification (germline): Uncertain significance (1 of 4 stars; one submission).

Conditions:
3-methylglutaconic aciduria, type VIIB (MGCA7B). Also called: CLPB Deficiency; 3-methylglutaconic aciduria with cataracts, neurologic involvement and neutropenia; 3-methylglutaconic aciduria, type VII, with cataracts, neurologic involvement and neutropenia. Identifiers: Orphanet 445038, MedGen C5676893, MONDO:0014561, OMIM 616271.

gnomAD v4.1: 3 of 1,614,040 alleles (0.00019%); highest among the groups gnomAD compares: Non-Finnish European, 0.00025%; no homozygotes.

Submission:

Labcorp Genetics (formerly Invitae), Labcorp
Classification: Uncertain significance for 3-methylglutaconic aciduria, type VIIB. Last evaluated: 2023-01-14. Review status: criteria provided, single submitter. Criteria: Invitae Variant Classification Sherloc (09022015). Collection method: clinical testing. Allele origin: germline.
Comment: In summary, the available evidence is currently insufficient to determine the role of this variant in disease. Therefore, it has been classified as a Variant of Uncertain Significance. Algorithms developed to predict the effect of missense changes on protein structure and function are either unavailable or do not agree on the potential impact of this missense change (SIFT: "Deleterious"; PolyPhen-2: "Possibly Damaging"; Align-GVGD: "Class C0"). This variant has not been reported in the literature in individuals affected with CLPB-related conditions. This variant is not present in population databases (gnomAD no frequency). This sequence change replaces isoleucine, which is neutral and non-polar, with methionine, which is neutral and non-polar, at codon 683 of the CLPB protein (p.Ile683Met).

NM_001258392.3(CLPB):c.1959C>G (p.Ile653Met)

Gene: CLPB (ClpB family mitochondrial disaggregase; minus strand). Cytogenetic location: 11q13.4.
Variant type: single nucleotide variant.
Coding change: c.1959C>G on transcript NM_001258392.3 (MANE Select); coding-DNA position 1959, C replaced by G.
Protein change: p.Ile653Met; replaces isoleucine 653 with methionine.
Molecular consequence: missense variant.
Genome position (GRCh38, 1-based): chr11:72,293,442, G>C on the plus strand (C>G on the coding strand, the complement: CLPB is on the minus strand). VCF-style: chr11-72293442-G-C. GRCh37 (hg19) VCF-style: chr11-72004486-G-C.
Other names: c.1872C>G, p.Ile624Met (NM_001258393.3); c.1914C>G, p.Ile638Met (NM_001258394.3); c.2049C>G, p.Ile683Met (NM_030813.6); short protein forms I683M, I638M, I653M, I624M.
Identifiers: ClinVar variation 2869088 (VCV002869088.3), dbSNP rs200471243, ClinGen allele CA381723255.